The following is an entry in ClinVar:

NM_001013838.3(CARMIL2):c.4087G>C (p.Val1363Leu)

Gene: CARMIL2 (capping protein regulator and myosin 1 linker 2; plus strand). Cytogenetic location: 16q22.1.
Variant type: single nucleotide variant.
Coding change: c.4087G>C on transcript NM_001013838.3 (MANE Select); coding-DNA position 4087, G replaced by C.
Protein change: p.Val1363Leu; replaces valine 1363 with leucine.
Molecular consequence: missense variant. On other transcripts: intron variant (1).
Genome position (GRCh38, 1-based): chr16:67,656,851, G>C. VCF-style: chr16-67656851-G-C. GRCh37 (hg19) VCF-style: chr16-67690754-G-C.
Other names: c.3928+206G>C (NM_001317026.3); short protein forms V1363L.
Identifiers: ClinVar variation 3724526 (VCV003724526.2).
Genomic context (GRCh38, chr16:67,656,851, plus strand): 5'-CCTCCCTCAGATGGCCAGCTGAGGCCGAGGCCTCTCTCGGCAGGGCGGCGAGCAGTGTCT[G>C]TGCATGAGGACCAGCTCCAGGCCCCTGCTGGTGAGGGGAGACACCTCCACGTGTGCTTGA-3'
Protein context (NP_001013860.1, residues 1353-1373): PLSAGRRAVS[Val1363Leu]HEDQLQAPAE

ClinVar aggregate classification (germline): Uncertain significance (1 of 4 stars; one submission).

Submission:

Labcorp Genetics (formerly Invitae), Labcorp
Classification: Uncertain significance. Last evaluated: 2024-11-03. Review status: criteria provided, single submitter. Criteria: Invitae Variant Classification Sherloc (09022015). Collection method: clinical testing. Allele origin: germline.
Comment: This sequence change replaces valine, which is neutral and non-polar, with leucine, which is neutral and non-polar, at codon 1363 of the CARMIL2 protein (p.Val1363Leu). This variant is not present in population databases (gnomAD no frequency). This variant has not been reported in the literature in individuals affected with CARMIL2-related conditions. An algorithm developed to predict the effect of missense changes on protein structure and function (PolyPhen-2) suggests that this variant is likely to be disruptive. In summary, the available evidence is currently insufficient to determine the role of this variant in disease. Therefore, it has been classified as a Variant of Uncertain Significance.